The following is an entry in ClinVar:

NM_000352.6(ABCC8):c.1704G>A (p.Glu568=)

Gene: ABCC8 (ATP binding cassette subfamily C member 8; minus strand). Cytogenetic location: 11p15.1.
Variant type: single nucleotide variant.
Coding change: c.1704G>A on transcript NM_000352.6 (MANE Select); coding-DNA position 1704, G replaced by A.
Protein change: p.Glu568=; no amino-acid change (glutamic acid 568 retained).
Molecular consequence: synonymous variant. On other transcripts: non-coding transcript variant (1).
Genome position (GRCh38, 1-based): chr11:17,430,927, C>T on the plus strand (G>A on the coding strand, the complement: ABCC8 is on the minus strand). VCF-style: chr11-17430927-C-T. GRCh37 (hg19) VCF-style: chr11-17452474-C-T.
Other names: c.1704G>A, p.Glu568= (NM_001287174.3, NM_001351295.2); c.1701G>A, p.Glu567= (NM_001351296.2, NM_001351297.2); c.1704G>A (NM_000352.3).
Identifiers: ClinVar variation 795401 (VCV000795401.11), dbSNP rs745652559, ClinGen allele CA5903466.
Genomic context (GRCh38, chr11:17,430,927, plus strand): 5'-TGTGACCAAGATATGGAAGAGGGAGAGGGAGGCAAAGGCCACGGAGGGCGAGAAGTCGGC[C>T]TCTTTGAAGAAGCTGACGTGGCCCACGAAAGTCTGTGGACAGAGGCACAAGTGAGGCCAG-3'
Protein context (NP_000343.2, residues 558-578): TFVGHVSFFK[Glu568=]ADFSPSVAFA

ClinVar aggregate classification (germline): Conflicting classifications of pathogenicity. Review status: criteria provided, conflicting classifications (1 of 4 stars). 4 submissions from 3 submitters: Uncertain significance (2); Likely benign (2). Last evaluated 2026-01-11.

Conditions:
Inborn genetic diseases. Identifiers: MedGen C0950123, MeSH D030342.
Transitory neonatal diabetes mellitus. Also called: Transient neonatal diabetes mellitus. Identifiers: MedGen C0342273, MONDO:0020525, HP:0008255.
Maturity-onset diabetes of the young (MODY). Also called: Maturity onset diabetes mellitus in young. Identifiers: Orphanet 552, MedGen C0342276, MONDO:0018911, HP:0004904.

Allele frequency attached by ClinVar (database versions not stated): gnomAD 0.00005; gnomAD exomes 0.00006 and 0.00009; TOPMed 0.00006; ExAC 0.00015.
gnomAD v4.1: 97 of 1,614,104 alleles (0.006%); highest among the groups gnomAD compares: Non-Finnish European, 0.0081%; no homozygotes.

Submissions (4):

Labcorp Genetics (formerly Invitae), Labcorp
Classification: Likely benign. Last evaluated: 2026-01-11. Review status: criteria provided, single submitter. Criteria: Invitae Variant Classification Sherloc (09022015). Collection method: clinical testing. Allele origin: germline.

Ambry Genetics
Classification: Likely benign for Inborn genetic diseases. Last evaluated: 2025-11-22. Review status: criteria provided, single submitter. Criteria: Ambry Variant Classification Scheme 2023. Collection method: clinical testing. Allele origin: germline.

Clinical Genomics, Uppaluri K&H Personalized Medicine Clinic
Classification: Uncertain significance for Transitory neonatal diabetes mellitus. Review status: criteria provided, single submitter. Criteria: K & H Uppaluri Personalized Medicine Clinic Variant Classification & Assertion Criteria_Updated V.1. Collection method: research. Allele origin: unknown. Inheritance: Somatic mutation.
Comment: Mutations in ABCC8 gene are associated with both neonatal diabetes mellitus as well as MODY. Patients with this mutation may have a better response to sulfonylureas. However, no sufficient evidence is found to ascertain the role of this particular variant (rs745652559) in neonatal diabetes yet.

Clinical Genomics, Uppaluri K&H Personalized Medicine Clinic
Classification: Uncertain significance for Maturity-onset diabetes of the young. Review status: criteria provided, single submitter. Criteria: K & H Uppaluri Personalized Medicine Clinic Variant Classification & Assertion Criteria_Updated V.1. Collection method: research. Allele origin: unknown. Inheritance: Somatic mutation.
Comment: Mutations in ABCC8 gene are associated with both neonatal diabetes mellitus as well as MODY. Patients with this mutation may have a better response to sulfonylureas. However, no sufficient evidence is found to ascertain the role of this particular variant (rs745652559) in MODY yet.

Literature cited by the submitters: PubMed 16885549 (cited by Clinical Genomics, Uppaluri K&H Personalized Medicine Clinic); PubMed 21989597 (cited by Clinical Genomics, Uppaluri K&H Personalized Medicine Clinic); PubMed 27538677 (cited by Clinical Genomics, Uppaluri K&H Personalized Medicine Clinic); PubMed 18981553 (cited by Clinical Genomics, Uppaluri K&H Personalized Medicine Clinic); PubMed 32027066 (cited by Clinical Genomics, Uppaluri K&H Personalized Medicine Clinic); PubMed 16613899 (cited by Clinical Genomics, Uppaluri K&H Personalized Medicine Clinic); PubMed 18025408 (cited by Clinical Genomics, Uppaluri K&H Personalized Medicine Clinic); PubMed 32792356 (cited by Clinical Genomics, Uppaluri K&H Personalized Medicine Clinic).